The following is an entry in ClinVar:

ClinVar aggregate classification (germline): Pathogenic. Review status: criteria provided, multiple submitters, no conflicts (2 of 4 stars). 4 submissions from 4 submitters: Pathogenic (4). Last evaluated 2024-11-17.

Conditions:
Usher syndrome type 2A. Also called: RETINAL DISEASE IN USHER SYNDROME TYPE IIA, MODIFIER OF; USHER SYNDROME, TYPE IIA. Identifiers: Orphanet 231178, Orphanet 886, MedGen C1848634, MONDO:0010169, OMIM 276901.
Retinitis pigmentosa 39 (RP39). Identifiers: Orphanet 791, MedGen C3151138, MONDO:0013436, OMIM 613809.

Submissions (4):

GeneDx
Classification: Pathogenic. Last evaluated: 2024-11-17. Review status: criteria provided, single submitter. Criteria: GeneDx Variant Classification Process June 2021. Collection method: clinical testing. Allele origin: germline.
Comment: Nonsense variant predicted to result in protein truncation or nonsense mediated decay in a gene for which loss of function is a known mechanism of disease; Not observed at significant frequency in large population cohorts (gnomAD); This variant is associated with the following publications: (PMID: 24944099)

Baylor Genetics
Classification: Pathogenic for Retinitis pigmentosa 39. Last evaluated: 2023-12-17. Review status: criteria provided, single submitter. Criteria: ACMG Guidelines, 2015. Collection method: clinical testing. Allele origin: unknown.

Genome-Nilou Lab
Classification: Pathogenic for Usher syndrome type 2A. Last evaluated: 2023-11-04. Review status: criteria provided, single submitter. Criteria: ACMG Guidelines, 2015. Collection method: clinical testing. Allele origin: germline. Affected: no.

Labcorp Genetics (formerly Invitae), Labcorp
Classification: Pathogenic. Last evaluated: 2022-08-12. Review status: criteria provided, single submitter. Criteria: Invitae Variant Classification Sherloc (09022015). Collection method: clinical testing. Allele origin: germline.
Comment: This sequence change creates a premature translational stop signal (p.Gln3292*) in the USH2A gene. It is expected to result in an absent or disrupted protein product. Loss-of-function variants in USH2A are known to be pathogenic (PMID: 10729113, 10909849, 20507924, 25649381). This variant is not present in population databases (gnomAD no frequency). This premature translational stop signal has been observed in individual(s) with Usher syndrome (PMID: 24944099). In at least one individual the data is consistent with being in trans (on the opposite chromosome) from a pathogenic variant. ClinVar contains an entry for this variant (Variation ID: 1457896). For these reasons, this variant has been classified as Pathogenic.

Literature cited by the submitters: PubMed 10729113 (cited by Labcorp Genetics (formerly Invitae), Labcorp); PubMed 10909849 (cited by Labcorp Genetics (formerly Invitae), Labcorp); PubMed 20507924 (cited by Labcorp Genetics (formerly Invitae), Labcorp); PubMed 25649381 (cited by Labcorp Genetics (formerly Invitae), Labcorp); PubMed 24944099 (cited by Labcorp Genetics (formerly Invitae), Labcorp).

NM_206933.4(USH2A):c.9874C>T (p.Gln3292Ter)

Gene: USH2A (usherin; minus strand). Cytogenetic location: 1q41.
Variant type: single nucleotide variant.
Coding change: c.9874C>T on transcript NM_206933.4 (MANE Select); coding-DNA position 9874, C replaced by T.
Protein change: p.Gln3292Ter; replaces glutamine 3292 with a stop codon.
Molecular consequence: nonsense.
Genome position (GRCh38, 1-based): chr1:215,798,991, G>A on the plus strand (C>T on the coding strand, the complement: USH2A is on the minus strand). VCF-style: chr1-215798991-G-A. GRCh37 (hg19) VCF-style: chr1-215972333-G-A.
Other names: c.9874C>T (NM_206933.2); short protein forms Q3292*.
Identifiers: ClinVar variation 1457896 (VCV001457896.6), dbSNP rs2102778615, ClinGen allele CA344848988.